The following continues an entry in ClinVar:

NM_000051.4(ATM):c.496+4T>C

Gene: ATM. ClinVar aggregate classification (germline): Likely benign. Likely benign (1).

Submissions 15 to 22 of 22:

Spanish ATM Cancer Susceptibility Variant Interpretation Working Group
Classification: Likely benign for Hereditary cancer-predisposing syndrome. Last evaluated: 2020-06-17. Review status: criteria provided, single submitter. Criteria: Feliubadaló L et al. (Clin Chem 2021). Collection method: clinical testing. Allele origin: germline. Affected: yes. Observed: 3 heterozygotes. Clinical features observed: Breast carcinoma, Bilateral breast cancer, Colorectal cancer, Adenomas, multiple colorectal. Not counted in ClinVar's aggregate classification.
Comment: The intronic c.496+4T>C variant is not predicted to lead to a splicing alteration as per SPiCE predictor and no splicing site is created/activated according to at least 3 splicing predictors of the set SpliceSiteFinderlike - MaxEntScan - NNSplice - GeneSplicer (BP4). Splicing analysis in carrier RNA with proper design and controls showed only the wild-type transcript although do not demonstrate biallelic expression by an exonic SNV (BS3_Supporting; O.Díez, unpublished data). This variant has an allele frequency of 0.000082 (0.008%, 22/268,180 alleles) in the gnomAD v2.1.1 non-cancer dataset, with a maximal frequency of 0.00019 (0.02%, 22/118,056 alleles) in the European (non-Finnish) subpopulation (no population frequency criterion met). Therefore, this variant meets criteria to be classified as likely benign. Adapted ACMG/AMP rules applied as defined by the Spanish ATM working group: BP4 + BS3_Supporting (PMID: 33280026).

Ambry Genetics
Classification: Likely benign for Hereditary cancer-predisposing syndrome. Last evaluated: 2019-02-05. Review status: criteria provided, single submitter. Criteria: Ambry Variant Classification Scheme 2023. Collection method: clinical testing. Allele origin: germline. Not counted in ClinVar's aggregate classification.

Genetic Services Laboratory, University of Chicago
Classification: Uncertain significance. Last evaluated: 2018-11-21. Review status: criteria provided, single submitter. Criteria: ACMG Guidelines, 2015. Collection method: clinical testing. Allele origin: germline. Affected: no. Not counted in ClinVar's aggregate classification.

Color Diagnostics, LLC DBA Color Health
Classification: Likely benign for Hereditary cancer-predisposing syndrome. Last evaluated: 2016-05-18. Review status: criteria provided, single submitter. Criteria: ACMG Guidelines, 2015. Collection method: clinical testing. Allele origin: germline. Not counted in ClinVar's aggregate classification.

GeneDx
Classification: Benign. Last evaluated: 2014-06-23. Review status: criteria provided, single submitter. Criteria: GeneDx Variant Classification (06012015). Collection method: clinical testing. Allele origin: germline. Affected: yes. Not counted in ClinVar's aggregate classification.
Comment: This variant is considered likely benign or benign based on one or more of the following criteria: it is a conservative change, it occurs at a poorly conserved position in the protein, it is predicted to be benign by multiple in silico algorithms, and/or has population frequency not consistent with disease.

Counsyl
Classification: Uncertain significance for Ataxia-telangiectasia syndrome. Last evaluated: 2018-05-03. Review status: no assertion criteria provided. Collection method: clinical testing. Allele origin: unknown. Not counted in ClinVar's aggregate classification.

True Health Diagnostics
Classification: Uncertain significance for Hereditary cancer-predisposing syndrome. Last evaluated: 2017-09-21. Review status: no assertion criteria provided. Collection method: clinical testing. Allele origin: germline. Not counted in ClinVar's aggregate classification.

Department of Pathology and Laboratory Medicine, Sinai Health System
Classification: Likely benign for Malignant tumor of breast. Review status: no assertion criteria provided. Collection method: clinical testing. Allele origin: unknown. Affected: yes. Study: The Canadian Open Genetics Repository (COGR). Not counted in ClinVar's aggregate classification.
Comment: The ATM c.496+4T>C variant was identified in 4 of 2610 proband chromosomes (frequency: 0.002) from individuals or families with breast cancer and Lynch Syndrome (Jalkh 2017,Yurgelun 2015, ). The variant was identified in dbSNP (rs587781375) as â€šÃ„Ãºwith uncertain significance alleleâ€šÃ„Ã¹ and ClinVar (classified as uncertain significance by Invitae, Counsyl, Integrated Genetics and 4 other submitters, benign by GeneDx and likely benign by Color). The variant was not identified in LOVD 3.0. The variant was identified in control databases in 23 of 282,719 chromosomes at a frequency of 0.00008 (Genome Aggregation Database Feb 27, 2017). The variant was observed in the following populations: European in 23 of 129,072 chromosomes (freq: 0.0002), but was not observed in the African, Latino, Ashkenazi Jewish, East Asian, Finnish, Other and South Asian populations. The variant was reported in an individual with a co-occurring pathogenic STK11 variant (c.375-1C>T) (Jalkh 2017). The c.496+4T>C variant is located in the 5' splice region but does not affect the invariant +1 and +2 positions. However, positions +3 to +6 are part of the splicing consensus sequence and variants involving these positions sometimes affect splicing. 4 out of 4 in silico or computational prediction software programs (SpliceSiteFinder, MaxEntScan, NNSPLICE, GeneSplicer) do not predict a difference in splicing. In summary, based on the above information the clinical significance of this variant cannot be determined with certainty at this time although we would lean towards a more benign role for this variant. This variant is classified as likely benign.

Literature cited by the submitters: PubMed 25980754 (cited by Women's Health and Genetics/Laboratory Corporation of America, LabCorp and Sema4); PubMed 28202063 (cited by 3 submitters); PubMed 29659587 (cited by Women's Health and Genetics/Laboratory Corporation of America, LabCorp and Sema4); PubMed 28779002 (cited by Mayo Clinic Laboratories, Mayo Clinic); PubMed 35534704 (cited by Mayo Clinic Laboratories, Mayo Clinic); PubMed 25085752 (cited by Myriad Genetics, Inc.).